The following is an entry in ClinVar:

ClinVar aggregate classification (germline): Uncertain significance. Review status: criteria provided, multiple submitters, no conflicts (2 of 4 stars). 2 submissions from 2 submitters: Uncertain significance (2). Last evaluated 2025-12-24.

Conditions:
Usher syndrome type 1 (USH1). Also called: RETINITIS PIGMENTOSA AND CONGENITAL DEAFNESS. Identifiers: Orphanet 231169, Orphanet 886, MedGen C1568247, MONDO:0010168, OMIM 276900.

Allele frequency attached by ClinVar (database versions not stated): TOPMed 0.00001.
gnomAD v4.1: 15 of 1,613,586 alleles (0.00093%); highest among the groups gnomAD compares: Non-Finnish European, 0.0012%; no homozygotes.

Submissions (2):

Labcorp Genetics (formerly Invitae), Labcorp
Classification: Uncertain significance. Last evaluated: 2025-12-24. Review status: criteria provided, single submitter. Criteria: Invitae Variant Classification Sherloc (09022015). Collection method: clinical testing. Allele origin: germline.
Comment: This sequence change replaces histidine, which is basic and polar, with asparagine, which is neutral and polar, at codon 1897 of the MYO7A protein (p.His1897Asn). The frequency data for this variant in the population databases is considered unreliable, as metrics indicate poor data quality at this position in the gnomAD database. This variant has not been reported in the literature in individuals affected with MYO7A-related conditions. ClinVar contains an entry for this variant (Variation ID: 2883392). Invitae Evidence Modeling of protein sequence and biophysical properties (such as structural, functional, and spatial information, amino acid conservation, physicochemical variation, residue mobility, and thermodynamic stability) indicates that this missense variant is not expected to disrupt MYO7A protein function with a negative predictive value of 95%. In summary, the available evidence is currently insufficient to determine the role of this variant in disease. Therefore, it has been classified as a Variant of Uncertain Significance.

Myriad Genetics, Inc.
Classification: Uncertain significance for Usher syndrome type 1. Last evaluated: 2025-08-06. Review status: criteria provided, single submitter. Criteria: Myriad Autosomal Dominant, Autosomal Recessive and X-Linked Classification Criteria (2023). Collection method: clinical testing. Allele origin: unknown.
Comment: NM_000260.3(MYO7A):c.5689C>A(H1897N) is a missense variant classified as a variant of uncertain significance in the context of MYO7A-related disorders. H1897N has been observed in a case with relevant disease (PMID: 38927702). Relevant functional assessments of this variant are not available in the literature. H1897N has been observed in referenced population frequency databases. In summary, there is insufficient evidence to classify NM_000260.3(MYO7A):c.5689C>A(H1897N) as pathogenic or benign. Please note: this variant was assessed in the context of healthy population screening.

Literature cited by the submitters: PubMed 38927702 (cited by Myriad Genetics, Inc.).

NM_000260.4(MYO7A):c.5689C>A (p.His1897Asn)

Gene: MYO7A (myosin VIIA; plus strand). Cytogenetic location: 11q13.5.
Variant type: single nucleotide variant.
Coding change: c.5689C>A on transcript NM_000260.4 (MANE Select); coding-DNA position 5689, C replaced by A.
Protein change: p.His1897Asn; replaces histidine 1897 with asparagine.
Molecular consequence: missense variant.
Genome position (GRCh38, 1-based): chr11:77,206,149, C>A. VCF-style: chr11-77206149-C-A. GRCh37 (hg19) VCF-style: chr11-76917194-C-A.
Other names: c.5575C>A, p.His1859Asn (NM_001127180.2); c.5542C>A, p.His1848Asn (NM_001369365.1); short protein forms H1848N, H1897N, H1859N.
Identifiers: ClinVar variation 2883392 (VCV002883392.4), dbSNP rs1181992213, ClinGen allele CA381953271.